The following is an entry in ClinVar:

NM_012073.5(CCT5):c.1549A>C (p.Ile517Leu)

Gene: CCT5 (chaperonin containing TCP1 subunit 5; plus strand). Cytogenetic location: 5p15.2.
Variant type: single nucleotide variant.
Coding change: c.1549A>C on transcript NM_012073.5 (MANE Select); coding-DNA position 1549, A replaced by C.
Protein change: p.Ile517Leu; replaces isoleucine 517 with leucine.
Molecular consequence: missense variant.
Genome position (GRCh38, 1-based): chr5:10,264,706, A>C. VCF-style: chr5-10264706-A-C. GRCh37 (hg19) VCF-style: chr5-10264818-A-C.
Other names: c.1486A>C, p.Ile496Leu (NM_001306153.1); c.1384A>C, p.Ile462Leu (NM_001306154.2); c.1270A>C, p.Ile424Leu (NM_001306155.2); c.1435A>C, p.Ile479Leu (NM_001306156.2); short protein forms I517L, I424L, I462L, I479L, I496L.
Identifiers: ClinVar variation 4650297 (VCV004650297.2).

ClinVar aggregate classification (germline): Uncertain significance. Review status: criteria provided, multiple submitters, no conflicts (2 of 4 stars). 2 submissions from 2 submitters: Uncertain significance (2). Last evaluated 2025-10-06.

Conditions:
Hereditary sensory and autonomic neuropathy with spastic paraplegia (HSNSP). Identifiers: Orphanet 139578, MedGen C1850395, MONDO:0009748, OMIM 256840.

gnomAD v4.1: 22 of 1,614,052 alleles (0.0014%); highest among the groups gnomAD compares: Non-Finnish European, 0.0018%; no homozygotes.

Submissions (2):

Ambry Genetics
Classification: Uncertain significance. Last evaluated: 2025-10-06. Review status: criteria provided, single submitter. Criteria: Ambry Variant Classification Scheme 2023. Collection method: clinical testing. Allele origin: germline.

Labcorp Genetics (formerly Invitae), Labcorp
Classification: Uncertain significance for Hereditary sensory and autonomic neuropathy with spastic paraplegia. Last evaluated: 2025-02-07. Review status: criteria provided, single submitter. Criteria: Invitae Variant Classification Sherloc (09022015). Collection method: clinical testing. Allele origin: germline.
Comment: This sequence change replaces isoleucine, which is neutral and non-polar, with leucine, which is neutral and non-polar, at codon 517 of the CCT5 protein (p.Ile517Leu). This variant is present in population databases (rs752461300, gnomAD 0.007%). This variant has not been reported in the literature in individuals affected with CCT5-related conditions. Invitae Evidence Modeling of protein sequence and biophysical properties (such as structural, functional, and spatial information, amino acid conservation, physicochemical variation, residue mobility, and thermodynamic stability) indicates that this missense variant is not expected to disrupt CCT5 protein function with a negative predictive value of 80%. In summary, the available evidence is currently insufficient to determine the role of this variant in disease. Therefore, it has been classified as a Variant of Uncertain Significance.